The following is an entry in ClinVar:

ClinVar aggregate classification (germline): Conflicting classifications of pathogenicity. Review status: criteria provided, conflicting classifications (1 of 4 stars). 3 submissions from 3 submitters: Uncertain significance (2); Likely benign (1). Last evaluated 2025-12-01.

Conditions:
Inborn genetic diseases. Identifiers: MedGen C0950123, MeSH D030342.

Allele frequency attached by ClinVar (database versions not stated): gnomAD 0.00001; ExAC 0.00002; gnomAD exomes 0.00002; TOPMed 0.00002.
gnomAD v4.1: 103 of 1,612,942 alleles (0.0064%); highest among the groups gnomAD compares: Non-Finnish European, 0.0084%; no homozygotes.

Submissions (3):

Labcorp Genetics (formerly Invitae), Labcorp
Classification: Uncertain significance. Last evaluated: 2025-12-01. Review status: criteria provided, single submitter. Criteria: Invitae Variant Classification Sherloc (09022015). Collection method: clinical testing. Allele origin: germline.
Comment: This sequence change replaces arginine, which is basic and polar, with glutamine, which is neutral and polar, at codon 89 of the PRPF3 protein (p.Arg89Gln). The frequency data for this variant in the population databases is considered unreliable, as metrics indicate poor data quality at this position in the gnomAD database. This variant has not been reported in the literature in individuals affected with PRPF3-related conditions. ClinVar contains an entry for this variant (Variation ID: 1002166). Invitae Evidence Modeling of protein sequence and biophysical properties (such as structural, functional, and spatial information, amino acid conservation, physicochemical variation, residue mobility, and thermodynamic stability) has been performed for this missense variant. However, the output from this modeling did not meet the statistical confidence thresholds required to predict the impact of this variant on PRPF3 protein function. In summary, the available evidence is currently insufficient to determine the role of this variant in disease. Therefore, it has been classified as a Variant of Uncertain Significance.

Ambry Genetics
Classification: Uncertain significance for Inborn genetic diseases. Last evaluated: 2025-08-29. Review status: criteria provided, single submitter. Criteria: Ambry Variant Classification Scheme 2023. Collection method: clinical testing. Allele origin: germline.

Blueprint Genetics
Classification: Likely benign. Last evaluated: 2019-08-09. Review status: criteria provided, single submitter. Criteria: ACMG Guidelines, 2015. Collection method: clinical testing. Allele origin: germline.

NM_004698.4(PRPF3):c.266G>A (p.Arg89Gln)

Gene: PRPF3 (pre-mRNA processing factor 3; plus strand). Cytogenetic location: 1q21.2.
Variant type: single nucleotide variant.
Coding change: c.266G>A on transcript NM_004698.4 (MANE Select); coding-DNA position 266, G replaced by A.
Protein change: p.Arg89Gln; replaces arginine 89 with glutamine.
Molecular consequence: missense variant. On other transcripts: 5 prime UTR variant (1), non-coding transcript variant (4).
Genome position (GRCh38, 1-based): chr1:150,325,871, G>A. VCF-style: chr1-150325871-G-A. GRCh37 (hg19) VCF-style: chr1-150298329-G-A.
Other names: c.-236G>A (NM_001350529.1); c.266G>A (NM_004698.2); short protein forms R89Q.
Identifiers: ClinVar variation 1002166 (VCV001002166.12), dbSNP rs782194993, ClinGen allele CA1075399.
Genomic context (GRCh38, chr1:150,325,871, plus strand): 5'-CTGTGGAGGAAGGCCGAAGCTCTAGGCATTCCAAGTCTAGCAGTGACAGGAGCAGAAAAC[G>A]AGAGCTAAAGGTAGGTTACAATTTACTGTCTAATGAGCTCAGGACTGTTTTGAATGGTAA-3'
Protein context (NP_004689.1, residues 79-99): SKSSSDRSRK[Arg89Gln]ELKEVFGDDS